The following is an entry in ClinVar:

ClinVar aggregate classification (germline): Uncertain significance. Review status: criteria provided, single submitter (1 of 4 stars). 2 submissions from 2 submitters: Uncertain significance (1). 1 of the submissions does not count toward it. Last evaluated 2016-06-16.

Conditions:
Usher syndrome type 1B (USH1B). Also called: Usher syndrome type IB. Identifiers: MedGen C1848638, MONDO:0700087.

gnomAD v4.1: 41 of 1,613,634 alleles (0.0025%); highest among the groups gnomAD compares: Non-Finnish European, 0.0035%; no homozygotes.

Submissions (2):

Laboratory for Molecular Medicine, Mass General Brigham Personalized Medicine
Classification: Uncertain significance. Last evaluated: 2016-06-16. Review status: criteria provided, single submitter. Criteria: LMM Criteria. Collection method: clinical testing. Allele origin: germline. Observed: 2 variant alleles.
Comment: proposed classification - variant undergoing re-assessment, contact laboratory

Natera, Inc.
Classification: Uncertain significance for Usher syndrome type 1B. Last evaluated: 2019-11-11. Review status: no assertion criteria provided. Collection method: clinical testing. Allele origin: germline. Not counted in ClinVar's aggregate classification.

NM_000260.4(MYO7A):c.6243C>A (p.Ile2081=)

Gene: MYO7A (myosin VIIA; plus strand). Cytogenetic location: 11q13.5.
Variant type: single nucleotide variant.
Coding change: c.6243C>A on transcript NM_000260.4 (MANE Select); coding-DNA position 6243, C replaced by A.
Protein change: p.Ile2081=; no amino-acid change (isoleucine 2081 retained).
Molecular consequence: synonymous variant.
Genome position (GRCh38, 1-based): chr11:77,211,826, C>A. VCF-style: chr11-77211826-C-A. GRCh37 (hg19) VCF-style: chr11-76922871-C-A.
Other names: c.6129C>A, p.Ile2043= (NM_001127180.2); c.6096C>A, p.Ile2032= (NM_001369365.1).
Identifiers: ClinVar variation 179386 (VCV000179386.5), dbSNP rs727504834, ClinGen allele CA184320.